The following is an entry in ClinVar:

NM_005475.3(SH2B3):c.727C>T (p.Pro243Ser)

Gene: SH2B3 (SH2B adaptor protein 3; plus strand). Cytogenetic location: 12q24.12.
Variant type: single nucleotide variant.
Coding change: c.727C>T on transcript NM_005475.3 (MANE Select); coding-DNA position 727, C replaced by T.
Protein change: p.Pro243Ser; replaces proline 243 with serine.
Molecular consequence: missense variant.
Genome position (GRCh38, 1-based): chr12:111,418,872, C>T. VCF-style: chr12-111418872-C-T. GRCh37 (hg19) VCF-style: chr12-111856676-C-T.
Other names: short protein forms P243S.
Identifiers: ClinVar variation 3953514 (VCV003953514.1).

ClinVar aggregate classification (germline): Uncertain significance (1 of 4 stars; one submission).

Conditions:
Inborn genetic diseases. Identifiers: MedGen C0950123, MeSH D030342.

Submission:

Ambry Genetics
Classification: Uncertain significance for Inborn genetic diseases. Last evaluated: 2025-05-21. Review status: criteria provided, single submitter. Criteria: Ambry Variant Classification Scheme 2023. Collection method: clinical testing. Allele origin: germline.
Comment: The p.P243S variant (also known as c.727C>T), located in coding exon 1 of the SH2B3 gene, results from a C to T substitution at nucleotide position 727. The proline at codon 243 is replaced by serine, an amino acid with similar properties. This amino acid position is conserved. In addition, this alteration is predicted to be tolerated by in silico analysis. Based on the available evidence, the clinical significance of this variant remains unclear.